The following is an entry in ClinVar:

ClinVar aggregate classification (germline): Uncertain significance (1 of 4 stars; one submission).

gnomAD v4.1: 17 of 1,599,734 alleles (0.0011%); highest among the groups gnomAD compares: Middle Eastern, 0.016%; no homozygotes.

Submission:

Labcorp Genetics (formerly Invitae), Labcorp
Classification: Uncertain significance. Last evaluated: 2024-09-11. Review status: criteria provided, single submitter. Criteria: Invitae Variant Classification Sherloc (09022015). Collection method: clinical testing. Allele origin: germline.
Comment: This sequence change replaces glutamine, which is neutral and polar, with proline, which is neutral and non-polar, at codon 2098 of the LAMA5 protein (p.Gln2098Pro). This variant is present in population databases (no rsID available, gnomAD 0.003%). This variant has not been reported in the literature in individuals affected with LAMA5-related conditions. An algorithm developed to predict the effect of missense changes on protein structure and function (PolyPhen-2) suggests that this variant is likely to be tolerated. In summary, the available evidence is currently insufficient to determine the role of this variant in disease. Therefore, it has been classified as a Variant of Uncertain Significance.

NM_005560.6(LAMA5):c.6293A>C (p.Gln2098Pro)

Gene: LAMA5 (laminin subunit alpha 5; minus strand). Cytogenetic location: 20q13.33.
Variant type: single nucleotide variant.
Coding change: c.6293A>C on transcript NM_005560.6 (MANE Select); coding-DNA position 6293, A replaced by C.
Protein change: p.Gln2098Pro; replaces glutamine 2098 with proline.
Molecular consequence: missense variant.
Genome position (GRCh38, 1-based): chr20:62,322,322, T>G on the plus strand (A>C on the coding strand, the complement: LAMA5 is on the minus strand). VCF-style: chr20-62322322-T-G. GRCh37 (hg19) VCF-style: chr20-60897378-T-G.
Other names: short protein forms Q2098P.
Identifiers: ClinVar variation 3622821 (VCV003622821.2).